The following is an entry in ClinVar:

NM_001277115.2(DNAH11):c.10748T>C (p.Leu3583Pro)

Gene: DNAH11 (dynein axonemal heavy chain 11; plus strand). Cytogenetic location: 7p15.3.
Variant type: single nucleotide variant.
Coding change: c.10748T>C on transcript NM_001277115.2 (MANE Select); coding-DNA position 10748, T replaced by C.
Protein change: p.Leu3583Pro; replaces leucine 3583 with proline.
Molecular consequence: missense variant.
Genome position (GRCh38, 1-based): chr7:21,842,600, T>C. VCF-style: chr7-21842600-T-C. GRCh37 (hg19) VCF-style: chr7-21882218-T-C.
Other names: c.10769T>C, p.Leu3590Pro (NM_003777.3); short protein forms L3590P, L3583P.
Identifiers: ClinVar variation 1784278 (VCV001784278.5), dbSNP rs1238887554, ClinGen allele CA366956705.
Genomic context (GRCh38, chr7:21,842,600, plus strand): 5'-TTAGGTATATCAGGATTGGAGATAAAGAATGTGAATTTAACAAGAACTTTCGCCTTATCC[T>C]TCACACAAAATTGGCAAATCCTCACTATAAGCCGGAATTACAAGCTCAGACAACTCTCCT-3'
Protein context (NP_001264044.1, residues 3573-3593): CEFNKNFRLI[Leu3583Pro]HTKLANPHYK

ClinVar aggregate classification (germline): Conflicting classifications of pathogenicity. Review status: criteria provided, conflicting classifications (1 of 4 stars). 2 submissions from 2 submitters: Uncertain significance (1); Likely benign (1). Last evaluated 2024-08-01.

Conditions:
Primary ciliary dyskinesia. Also called: Ciliary dyskinesia. Identifiers: Orphanet 244, MedGen C0008780, MONDO:0016575, HP:0012265.

Allele frequency attached by ClinVar (database versions not stated): TOPMed below 0.00001; gnomAD 0.00001.
gnomAD v4.1: 13 of 1,613,832 alleles (0.00081%); no homozygotes.

Submissions (2):

Labcorp Genetics (formerly Invitae), Labcorp
Classification: Likely benign for Primary ciliary dyskinesia. Last evaluated: 2024-08-01. Review status: criteria provided, single submitter. Criteria: Invitae Variant Classification Sherloc (09022015). Collection method: clinical testing. Allele origin: germline.

Ambry Genetics
Classification: Uncertain significance for Primary ciliary dyskinesia. Last evaluated: 2020-01-17. Review status: criteria provided, single submitter. Criteria: Ambry Variant Classification Scheme 2023. Collection method: clinical testing. Allele origin: germline.
Comment: The p.L3583P variant (also known as c.10748T>C), located in coding exon 66 of the DNAH11 gene, results from a T to C substitution at nucleotide position 10748. The leucine at codon 3583 is replaced by proline, an amino acid with similar properties. This amino acid position is highly conserved in available vertebrate species. In addition, this alteration is predicted to be deleterious by in silico analysis. Since supporting evidence is limited at this time, the clinical significance of this variant remains unclear.